The following is an entry in ClinVar:

NM_182961.4(SYNE1):c.4819A>G (p.Ser1607Gly)

Gene: SYNE1 (spectrin repeat containing nuclear envelope protein 1; minus strand). Cytogenetic location: 6q25.2.
Variant type: single nucleotide variant.
Coding change: c.4819A>G on transcript NM_182961.4 (MANE Select); coding-DNA position 4819, A replaced by G.
Protein change: p.Ser1607Gly; replaces serine 1607 with glycine.
Molecular consequence: missense variant.
Genome position (GRCh38, 1-based): chr6:152,428,362, T>C on the plus strand (A>G on the coding strand, the complement: SYNE1 is on the minus strand). VCF-style: chr6-152428362-T-C. GRCh37 (hg19) VCF-style: chr6-152749497-T-C.
Other names: c.4840A>G, p.Ser1614Gly (NM_033071.5); short protein forms S1614G, S1607G.
Identifiers: ClinVar variation 1376375 (VCV001376375.6), dbSNP rs752342922, ClinGen allele CA4058445.

ClinVar aggregate classification (germline): Uncertain significance (1 of 4 stars; one submission).

Conditions:
Emery-Dreifuss muscular dystrophy 4, autosomal dominant (EDMD4). Also called: EMERY-DREIFUSS MUSCULAR DYSTROPHY 4 WITH VARIABLE FEATURES. Identifiers: Orphanet 261, MedGen C2751807, MONDO:0013071, OMIM 612998.
Autosomal recessive ataxia, Beauce type. Also called: SYNE1-Related Autosomal Recessive Cerebellar Ataxia; Spinocerebellar ataxia, autosomal recessive 8; ATAXIA, RECESSIVE, OF BEAUCE; SYNE1 Deficiency. Identifiers: Orphanet 88644, MedGen C1853116, MONDO:0012549, OMIM 610743.

Allele frequency attached by ClinVar (database versions not stated): ExAC 0.00002; gnomAD exomes 0.00002 and 0.00003; gnomAD 0.00005 and 0.00006; TOPMed 0.00005.
gnomAD v4.1: 52 of 1,613,872 alleles (0.0032%); highest among the groups gnomAD compares: Admixed American, 0.013%; no homozygotes.

Submission:

Labcorp Genetics (formerly Invitae), Labcorp
Classification: Uncertain significance for Emery-Dreifuss muscular dystrophy 4, autosomal dominant; Autosomal recessive ataxia, Beauce type. Last evaluated: 2024-08-05. Review status: criteria provided, single submitter. Criteria: Invitae Variant Classification Sherloc (09022015). Collection method: clinical testing. Allele origin: germline.
Comment: This sequence change replaces serine, which is neutral and polar, with glycine, which is neutral and non-polar, at codon 1614 of the SYNE1 protein (p.Ser1614Gly). This variant is present in population databases (rs752342922, gnomAD 0.004%). This variant has not been reported in the literature in individuals affected with SYNE1-related conditions. ClinVar contains an entry for this variant (Variation ID: 1376375). An algorithm developed to predict the effect of missense changes on protein structure and function outputs the following: PolyPhen-2: "Benign". The glycine amino acid residue is found in multiple mammalian species, which suggests that this missense change does not adversely affect protein function. In summary, the available evidence is currently insufficient to determine the role of this variant in disease. Therefore, it has been classified as a Variant of Uncertain Significance.